The following is an entry in ClinVar:

NM_004820.5(CYP7B1):c.260-15dup

Gene: CYP7B1 (cytochrome P450 family 7 subfamily B member 1; minus strand). Cytogenetic location: 8q12.3.
Variant type: Duplication.
Coding change: c.260-15dup on transcript NM_004820.5 (MANE Select); 15 bases into the intron before coding-DNA position 260, one base duplicated (T; older notation c.260-15dupT).
Molecular consequence: intron variant.
Genome position (GRCh38, 1-based): chr8:64,616,286, A duplicated on the plus strand (T on the coding strand, the reverse complement: CYP7B1 is on the minus strand); the first of 11 consecutive A bases (chr8:64,616,286-64,616,296); duplicating any one gives the same sequence. VCF-style (leftmost placement, unchanged base first): chr8-64616285-G-GA. GRCh37 (hg19) VCF-style: chr8-65528842-G-GA.
Other names: p.?; c.260-15dup (NM_001324112.2); c.260-5dup (NM_004820.5).
Identifiers: ClinVar variation 281577 (VCV000281577.19), dbSNP rs8192896, ClinGen allele CA4764239.

ClinVar aggregate classification (germline): Benign. Review status: criteria provided, multiple submitters, no conflicts (2 of 4 stars). 4 submissions from 4 submitters: Benign (4). Last evaluated 2026-01-28.

Conditions:
Spastic paraplegia. Identifiers: MedGen C0037772, HP:0001258.

Submissions (4):

Labcorp Genetics (formerly Invitae), Labcorp
Classification: Benign for Spastic paraplegia. Last evaluated: 2026-01-28. Review status: criteria provided, single submitter. Criteria: Invitae Variant Classification Sherloc (09022015). Collection method: clinical testing. Allele origin: germline.

Mayo Clinic Laboratories, Mayo Clinic
Classification: Benign. Last evaluated: 2025-02-25. Review status: criteria provided, single submitter. Criteria: ACMG Guidelines, 2015. Collection method: clinical testing. Allele origin: germline. Observed: 23 variant alleles.
Comment: BA1, BP4, BP7

GeneDx
Classification: Benign. Last evaluated: 2019-08-13. Review status: criteria provided, single submitter. Criteria: GeneDx Variant Classification Process June 2021. Collection method: clinical testing. Allele origin: germline. Affected: yes.

Eurofins Ntd Llc (ga)
Classification: Benign. Last evaluated: 2015-06-26. Review status: criteria provided, single submitter. Criteria: EGL Classification Definitions. Collection method: clinical testing. Allele origin: germline. Observed: 1 variant allele, 1 heterozygote.